The following is an entry in ClinVar:

NM_018847.4(KLHL9):c.595dup (p.Ala199fs)

Gene: KLHL9 (kelch like family member 9; minus strand). Cytogenetic location: 9p21.3.
Variant type: Duplication.
Coding change: c.595dup on transcript NM_018847.4 (MANE Select); coding-DNA position 595, one base duplicated (G; older notation c.595dupG).
Protein change: p.Ala199fs; shifts the reading frame from alanine 199.
Molecular consequence: frameshift variant.
Genome position (GRCh38, 1-based): chr9:21,334,265, C duplicated on the plus strand (G on the coding strand, the reverse complement: KLHL9 is on the minus strand). VCF-style (leftmost placement, unchanged base first): chr9-21334264-G-GC. GRCh37 (hg19) VCF-style: chr9-21334263-G-GC.
Other names: short protein forms A199fs.
Identifiers: ClinVar variation 1968885 (VCV001968885.5), dbSNP rs1820226328, ClinGen allele CA1838832475.

ClinVar aggregate classification (germline): Uncertain significance (1 of 4 stars; one submission).

Allele frequency attached by ClinVar (database versions not stated): gnomAD exomes below 0.00001; TOPMed below 0.00001.

Submission:

Labcorp Genetics (formerly Invitae), Labcorp
Classification: Uncertain significance. Last evaluated: 2022-06-24. Review status: criteria provided, single submitter. Criteria: Invitae Variant Classification Sherloc (09022015). Collection method: clinical testing. Allele origin: germline.
Comment: In summary, the available evidence is currently insufficient to determine the role of this variant in disease. Therefore, it has been classified as a Variant of Uncertain Significance. Experimental studies and prediction algorithms are not available or were not evaluated, and the functional significance of this variant is currently unknown. This variant has not been reported in the literature in individuals affected with KLHL9-related conditions. This variant is not present in population databases (gnomAD no frequency). This sequence change creates a premature translational stop signal (p.Ala199Glyfs*7) in the KLHL9 gene. While this is not anticipated to result in nonsense mediated decay, it is expected to disrupt the last 419 amino acid(s) of the KLHL9 protein.